The following is an entry in ClinVar:

NM_018109.4(MTPAP):c.1172G>A (p.Arg391Lys)

Gene: MTPAP (mitochondrial poly(A) polymerase; minus strand). Cytogenetic location: 10p11.23.
Variant type: single nucleotide variant.
Coding change: c.1172G>A on transcript NM_018109.4 (MANE Select); coding-DNA position 1172, G replaced by A.
Protein change: p.Arg391Lys; replaces arginine 391 with lysine.
Molecular consequence: missense variant.
Genome position (GRCh38, 1-based): chr10:30,322,438, C>T on the plus strand (G>A on the coding strand, the complement: MTPAP is on the minus strand). VCF-style: chr10-30322438-C-T. GRCh37 (hg19) VCF-style: chr10-30611367-C-T.
Other names: short protein forms R391K.
Identifiers: ClinVar variation 1427643 (VCV001427643.6), dbSNP rs2132850121, ClinGen allele CA376436314.

ClinVar aggregate classification (germline): Uncertain significance (1 of 4 stars; one submission).

Submission:

Labcorp Genetics (formerly Invitae), Labcorp
Classification: Uncertain significance. Last evaluated: 2021-11-26. Review status: criteria provided, single submitter. Criteria: Invitae Variant Classification Sherloc (09022015). Collection method: clinical testing. Allele origin: germline.
Comment: This sequence change replaces arginine, which is basic and polar, with lysine, which is basic and polar, at codon 391 of the MTPAP protein (p.Arg391Lys). This variant is not present in population databases (gnomAD no frequency). This variant has not been reported in the literature in individuals affected with MTPAP-related conditions. Algorithms developed to predict the effect of missense changes on protein structure and function are either unavailable or do not agree on the potential impact of this missense change (SIFT: "Tolerated"; PolyPhen-2: "Probably Damaging"; Align-GVGD: "Class C0"). In summary, the available evidence is currently insufficient to determine the role of this variant in disease. Therefore, it has been classified as a Variant of Uncertain Significance.